The following is an entry in ClinVar:

NM_030665.4(RAI1):c.5596A>G (p.Thr1866Ala)

Gene: RAI1 (retinoic acid induced 1; plus strand). Cytogenetic location: 17p11.2.
Variant type: single nucleotide variant.
Coding change: c.5596A>G on transcript NM_030665.4 (MANE Select); coding-DNA position 5596, A replaced by G.
Protein change: p.Thr1866Ala; replaces threonine 1866 with alanine.
Molecular consequence: missense variant.
Genome position (GRCh38, 1-based): chr17:17,803,786, A>G. VCF-style: chr17-17803786-A-G. GRCh37 (hg19) VCF-style: chr17-17707100-A-G.
Other names: short protein forms T1866A.
Identifiers: ClinVar variation 4699528 (VCV004699528.1).

ClinVar aggregate classification (germline): Uncertain significance (1 of 4 stars; one submission).

Submission:

Labcorp Genetics (formerly Invitae), Labcorp
Classification: Uncertain significance. Last evaluated: 2025-10-20. Review status: criteria provided, single submitter. Criteria: Invitae Variant Classification Sherloc (09022015). Collection method: clinical testing. Allele origin: germline.
Comment: This sequence change replaces threonine, which is neutral and polar, with alanine, which is neutral and non-polar, at codon 1866 of the RAI1 protein (p.Thr1866Ala). This variant is not present in population databases (gnomAD no frequency). This variant has not been reported in the literature in individuals affected with RAI1-related conditions. Invitae Evidence Modeling of protein sequence and biophysical properties (such as structural, functional, and spatial information, amino acid conservation, physicochemical variation, residue mobility, and thermodynamic stability) indicates that this missense variant is expected to disrupt RAI1 protein function with a positive predictive value of 80%. In summary, the available evidence is currently insufficient to determine the role of this variant in disease. Therefore, it has been classified as a Variant of Uncertain Significance.